The following is an entry in ClinVar:

NM_025179.4(PLXNA2):c.4848G>A (p.Thr1616=)

Gene: PLXNA2 (plexin A2; minus strand). Cytogenetic location: 1q32.2.
Variant type: single nucleotide variant.
Coding change: c.4848G>A on transcript NM_025179.4 (MANE Select); coding-DNA position 4848, G replaced by A.
Protein change: p.Thr1616=; no amino-acid change (threonine 1616 retained).
Molecular consequence: synonymous variant.
Genome position (GRCh38, 1-based): chr1:208,034,509, C>T on the plus strand (G>A on the coding strand, the complement: PLXNA2 is on the minus strand). VCF-style: chr1-208034509-C-T. GRCh37 (hg19) VCF-style: chr1-208207854-C-T.
Identifiers: ClinVar variation 3047497 (VCV003047497.2), dbSNP rs779368619, ClinGen allele CA1372745.
Genomic context (GRCh38, chr1:208,034,509, plus strand): 5'-AAGACTCTGCTCTGAGCTGCCCAGTCTGCCCTCGTGGTTCTCACCGTATCTGCTGATGGA[C>T]GTCCGGGAGATGCTGGCAGAGGCAGGGATGTTGTAGGAGGAGGTCTGTTTGGGGACCAGA-3'
Protein context (NP_079455.3, residues 1606-1626): NIPASASISR[Thr1616=]SISRYDSSFR

ClinVar aggregate classification (germline): Likely benign (0 of 4 stars; one submission).

Conditions:
PLXNA2-related disorder. Also called: PLXNA2-related condition.

Allele frequency attached by ClinVar (database versions not stated): gnomAD exomes 0.00001; TOPMed 0.00002; gnomAD 0.00003; ExAC 0.00004.
gnomAD v4.1: 25 of 1,612,808 alleles (0.0016%); highest among the groups gnomAD compares: Middle Eastern, 0.016%; no homozygotes.

Submission:

PreventionGenetics, part of Exact Sciences
Classification: Likely benign for PLXNA2-related condition. Last evaluated: 2023-04-25. Review status: no assertion criteria provided. Collection method: clinical testing. Allele origin: germline.
Comment: This variant is classified as likely benign based on ACMG/AMP sequence variant interpretation guidelines (Richards et al. 2015 PMID: 25741868, with internal and published modifications).